The following is an entry in ClinVar:

ClinVar aggregate classification (germline): not provided (0 of 4 stars; one submission).

Allele frequency attached by ClinVar (database versions not stated): gnomAD below 0.00001 and 0.00014; TOPMed 0.00003; 1000 Genomes Project 30x 0.00016; 1000 Genomes Project 0.00020; gnomAD exomes 0.00029 and 0.00057; ExAC 0.00068.
gnomAD v4.1: 438 of 1,614,246 alleles (0.027%); highest among the groups gnomAD compares: South Asian, 0.46%; 9 homozygotes.

Submission:

ITMI
No classification provided. Condition: AllHighlyPenetrant. Last evaluated: 2013-09-19. Review status: no classification provided. Collection method: reference population. Allele origin: germline.
Comment: Please see associated publication for description of ethnicities

Literature cited by the submitters: PubMed 24728327.

NM_001300.6(KLF6):c.428C>T (p.Ser143Phe)

Gene: KLF6 (KLF transcription factor 6; minus strand). Cytogenetic location: 10p15.2.
Variant type: single nucleotide variant.
Coding change: c.428C>T on transcript NM_001300.6 (MANE Select); coding-DNA position 428, C replaced by T.
Protein change: p.Ser143Phe; replaces serine 143 with phenylalanine.
Molecular consequence: missense variant. On other transcripts: non-coding transcript variant (1).
Genome position (GRCh38, 1-based): chr10:3,781,889, G>A on the plus strand (C>T on the coding strand, the complement: KLF6 is on the minus strand). VCF-style: chr10-3781889-G-A. GRCh37 (hg19) VCF-style: chr10-3824081-G-A.
Other names: c.428C>T, p.Ser143Phe (NM_001160124.2, NM_001160125.2); short protein forms S143F.
Identifiers: ClinVar variation 134633 (VCV000134633.1), dbSNP rs200767950, ClinGen allele CA160385.